The following is an entry in ClinVar:

NM_001042492.3(NF1):c.2028C>G (p.Thr676=)

Gene: NF1 (neurofibromin 1; plus strand). Cytogenetic location: 17q11.2.
Variant type: single nucleotide variant.
Coding change: c.2028C>G on transcript NM_001042492.3 (MANE Select); coding-DNA position 2028, C replaced by G.
Protein change: p.Thr676=; no amino-acid change (threonine 676 retained).
Molecular consequence: synonymous variant.
Genome position (GRCh38, 1-based): chr17:31,226,461, C>G. VCF-style: chr17-31226461-C-G. GRCh37 (hg19) VCF-style: chr17-29553479-C-G.
Other names: c.2028C>G, p.Thr676= (NM_000267.4).
Identifiers: ClinVar variation 237531 (VCV000237531.17), dbSNP rs878853873, ClinGen allele CA10583480.

ClinVar aggregate classification (germline): Benign/Likely benign. Review status: criteria provided, multiple submitters, no conflicts (2 of 4 stars). 6 submissions from 5 submitters: Benign (1); Likely benign (5). Last evaluated 2025-09-14.

Conditions:
Cardiovascular phenotype. Identifiers: MedGen CN230736.
Hereditary cancer-predisposing syndrome. Also called: Tumor predisposition; Hereditary Cancer Syndrome; Hereditary neoplastic syndrome; Neoplastic Syndromes, Hereditary. Identifiers: Orphanet 140162, MedGen C0027672, MeSH D009386, MONDO:0015356.
Neurofibromatosis, type 1 (NF1). Also called: VON RECKLINGHAUSEN DISEASE; NEUROFIBROMATOSIS, TYPE I, SOMATIC; Peripheral type neurofibromatosis; Neurofibromatosis, type I. Identifiers: Orphanet 636, MedGen C0027831, MONDO:0018975, OMIM 162200. Disease mechanism: loss of function.

Allele frequency attached by ClinVar (database versions not stated): gnomAD exomes below 0.00001.
gnomAD v4.1: 1 of 1,613,660 alleles (0.000062%); highest among the groups gnomAD compares: Non-Finnish European, 0.000085%; no homozygotes.

Submissions (6):

Labcorp Genetics (formerly Invitae), Labcorp
Classification: Likely benign for Neurofibromatosis, type 1. Last evaluated: 2025-09-14. Review status: criteria provided, single submitter. Criteria: Invitae Variant Classification Sherloc (09022015). Collection method: clinical testing. Allele origin: germline.

KCCC/NGS Laboratory, Kuwait Cancer Control Center
Classification: Benign for Neurofibromatosis, type 1. Last evaluated: 2025-02-01. Review status: criteria provided, single submitter. Criteria: ACMG Guidelines, 2015. Collection method: clinical testing. Allele origin: germline. Affected: no.

Ambry Genetics
Classification: Likely benign for Cardiovascular phenotype; Hereditary cancer-predisposing syndrome. Last evaluated: 2022-08-16. Review status: criteria provided, single submitter. Criteria: Ambry Variant Classification Scheme 2023. Collection method: clinical testing. Allele origin: germline.

Genome-Nilou Lab
Classification: Likely benign for Neurofibromatosis, type 1. Last evaluated: 2022-03-15. Review status: criteria provided, single submitter. Criteria: ACMG Guidelines, 2015. Collection method: clinical testing. Allele origin: germline. Affected: no.

Women's Health and Genetics/Laboratory Corporation of America, LabCorp
Classification: Likely benign. Last evaluated: 2021-04-03. Review status: criteria provided, single submitter. Criteria: LabCorp Variant Classification Summary - May 2015. Collection method: clinical testing. Allele origin: germline.

Ambry Genetics
Classification: Likely benign for Hereditary cancer-predisposing syndrome. Last evaluated: 2015-12-30. Review status: criteria provided, single submitter. Criteria: Ambry Autosomal Dominant and X-Linked criteria (10/2015). Collection method: clinical testing. Allele origin: germline. Observed: 1 variant allele.
Comment: Synonymous alterations with insufficient evidence to classify as benign